The following is an entry in ClinVar:

ClinVar aggregate classification (germline): Uncertain significance (1 of 4 stars; one submission).

Conditions:
Agammaglobulinemia 6, autosomal recessive (AGM6). Also called: AGAMMAGLOBULINEMIA, AUTOSOMAL RECESSIVE, DUE TO CD79B DEFECT; AGAMMAGLOBULINEMIA 6. Identifiers: MedGen C3150207, MONDO:0012987, OMIM 612692.

Allele frequency attached by ClinVar (database versions not stated): gnomAD exomes below 0.00001; TOPMed below 0.00001.
gnomAD v4.1: 2 of 1,613,756 alleles (0.00012%); highest among the groups gnomAD compares: Non-Finnish European, 0.00017%; no homozygotes.

Submission:

Labcorp Genetics (formerly Invitae), Labcorp
Classification: Uncertain significance for Agammaglobulinemia 6, autosomal recessive. Last evaluated: 2024-02-24. Review status: criteria provided, single submitter. Criteria: Invitae Variant Classification Sherloc (09022015). Collection method: clinical testing. Allele origin: germline.
Comment: This sequence change replaces aspartic acid, which is acidic and polar, with glutamic acid, which is acidic and polar, at codon 184 of the CD79B protein (p.Asp184Glu). This variant is not present in population databases (gnomAD no frequency). This variant has not been reported in the literature in individuals affected with CD79B-related conditions. ClinVar contains an entry for this variant (Variation ID: 1489625). An algorithm developed to predict the effect of missense changes on protein structure and function (PolyPhen-2) suggests that this variant is likely to be disruptive. In summary, the available evidence is currently insufficient to determine the role of this variant in disease. Therefore, it has been classified as a Variant of Uncertain Significance.

NM_000626.4(CD79B):c.552T>A (p.Asp184Glu)

Genes: CD79B (CD79b molecule; minus strand), GH-LCR (growth hormone locus control region; plus strand). Cytogenetic location: 17q23.3.
Variant type: single nucleotide variant.
Coding change: c.552T>A on transcript NM_000626.4 (MANE Select); coding-DNA position 552, T replaced by A.
Protein change: p.Asp184Glu; replaces aspartic acid 184 with glutamic acid.
Molecular consequence: missense variant.
Genome position (GRCh38, 1-based): chr17:63,929,473, A>T on the plus strand (T>A on the coding strand, the complement: CD79B is on the minus strand). VCF-style: chr17-63929473-A-T. GRCh37 (hg19) VCF-style: chr17-62006833-A-T.
Other names: c.555T>A, p.Asp185Glu (NM_001039933.3); c.243T>A, p.Asp81Glu (NM_001329050.2); c.240T>A, p.Asp80Glu (NM_021602.4); short protein forms D185E, D81E, D184E, D80E.
Identifiers: ClinVar variation 1489625 (VCV001489625.6), dbSNP rs1598399769, ClinGen allele CA400603869.